The following is an entry in ClinVar:

ClinVar aggregate classification (germline): Uncertain significance (0 of 4 stars; one submission).

Conditions:
LEPR-related disorder. Also called: LEPR-related condition; LEPR-related disorders.

Submission:

PreventionGenetics, part of Exact Sciences
Classification: Uncertain significance for LEPR-related condition. Last evaluated: 2024-04-19. Review status: no assertion criteria provided. Collection method: clinical testing. Allele origin: germline.
Comment: The LEPR c.1253G>A variant is predicted to result in the amino acid substitution p.Cys418Tyr. To our knowledge, this variant has not been reported in the literature or in a large population database, indicating this variant is rare. In vitro functional studies showed strong evidence of loss of function (Supplemental Data Set, Shah et al. 2023. PubMed ID: 36864747). While we suspect this variant may be pathogenic, at this time, the clinical significance of this variant is uncertain due to the absence of conclusive functional and genetic evidence.

NM_002303.6(LEPR):c.1253G>A (p.Cys418Tyr)

Gene: LEPR (leptin receptor; plus strand). Cytogenetic location: 1p31.3.
Variant type: single nucleotide variant.
Coding change: c.1253G>A on transcript NM_002303.6 (MANE Select); coding-DNA position 1253, G replaced by A.
Protein change: p.Cys418Tyr; replaces cysteine 418 with tyrosine.
Molecular consequence: missense variant.
Genome position (GRCh38, 1-based): chr1:65,601,650, G>A. VCF-style: chr1-65601650-G-A. GRCh37 (hg19) VCF-style: chr1-66067333-G-A.
Other names: c.1253G>A, p.Cys418Tyr (NM_001003679.3, NM_001003680.3, NM_001198687.2 and 2 more transcripts); short protein forms C418Y.
Identifiers: ClinVar variation 3354764 (VCV003354764.1).
Genomic context (GRCh38, chr1:65,601,650, plus strand): 5'-AAACCAAACCTCGAGGAAAGTTTACCTATGATGCAGTGTACTGCTGCAATGAACATGAAT[G>A]CCATCATCGCTATGCTGAATTATATGTGATTGGTAAGAAAACAGAGGTTTTGTTCATTTT-3'
Protein context (NP_002294.2, residues 408-428): DAVYCCNEHE[Cys418Tyr]HHRYAELYVI